The following is an entry in ClinVar:

ClinVar aggregate classification (germline): Likely pathogenic (1 of 4 stars; one submission).

Conditions:
Intellectual developmental disorder, autosomal dominant 70. Identifiers: MedGen C5774271, MONDO:0859333, OMIM 620157.

Submission:

3billion
Classification: Likely pathogenic for Intellectual developmental disorder, autosomal dominant 70. Last evaluated: 2025-07-22. Review status: criteria provided, single submitter. Criteria: ACMG Guidelines, 2015. Collection method: clinical testing. Allele origin: germline. Affected: yes.
Comment: The variant is not observed in the gnomAD v4.1.0 dataset. Predicted Consequence/Location: Missense variant. The majority of the known disease-causing variants of this gene are variants expected to result in premature termination of the protein. In silico tool predictions suggest damaging effect of the variant on gene or gene product [REVEL: 0.62 (>=0.6, sensitivity 0.68 and specificity 0.92)]. Therefore, this variant is classified as Likely pathogenic according to the recommendation of ACMG/AMP guideline.

NM_014159.7(SETD2):c.5227G>C (p.Val1743Leu)

Gene: SETD2 (SET domain containing 2, histone lysine methyltransferase; minus strand). Cytogenetic location: 3p21.31.
Variant type: single nucleotide variant.
Coding change: c.5227G>C on transcript NM_014159.7 (MANE Select); coding-DNA position 5227, G replaced by C.
Protein change: p.Val1743Leu; replaces valine 1743 with leucine.
Molecular consequence: missense variant. On other transcripts: non-coding transcript variant (1).
Genome position (GRCh38, 1-based): chr3:47,088,163, C>G on the plus strand (G>C on the coding strand, the complement: SETD2 is on the minus strand). VCF-style: chr3-47088163-C-G. GRCh37 (hg19) VCF-style: chr3-47129653-C-G.
Other names: c.5095G>C, p.Val1699Leu (NM_001349370.3); short protein forms V1699L, V1743L.
Identifiers: ClinVar variation 4853935 (VCV004853935.1).